The following is an entry in ClinVar:

ClinVar aggregate classification (germline): Uncertain significance (1 of 4 stars; one submission).

Submission:

Ambry Genetics
Classification: Uncertain significance. Last evaluated: 2023-03-16. Review status: criteria provided, single submitter. Criteria: Ambry Variant Classification Scheme 2023. Collection method: clinical testing. Allele origin: germline.
Comment: The p.D44V variant (also known as c.131A>T), located in coding exon 1 of the PALLD gene, results from an A to T substitution at nucleotide position 131. The aspartic acid at codon 44 is replaced by valine, an amino acid with highly dissimilar properties. This amino acid position is conserved. In addition, the in silico prediction for this alteration is inconclusive. Since supporting evidence is limited at this time, the clinical significance of this alteration remains unclear.

NM_001166108.2(PALLD):c.131A>T (p.Asp44Val)

Gene: PALLD (palladin, cytoskeletal associated protein; plus strand). Cytogenetic location: 4q32.3.
Variant type: single nucleotide variant.
Coding change: c.131A>T on transcript NM_001166108.2 (MANE Select); coding-DNA position 131, A replaced by T.
Protein change: p.Asp44Val; replaces aspartic acid 44 with valine.
Molecular consequence: missense variant.
Genome position (GRCh38, 1-based): chr4:168,511,635, A>T. VCF-style: chr4-168511635-A-T. GRCh37 (hg19) VCF-style: chr4-169432786-A-T.
Other names: c.131A>T, p.Asp44Val (NM_016081.4); short protein forms D44V.
Identifiers: ClinVar variation 2563378 (VCV002563378.2), dbSNP rs2531428033, ClinGen allele CA358724694.
Genomic context (GRCh38, chr4:168,511,635, plus strand): 5'-CTGACTTCTTCCCGGGCCTTTCTGCTTTCCTCAGCCAGGAAGAGATAAACAAGAGTCTTG[A>T]CCTGGCCCGGAGAGCCATAGCCGACTCCGAAACAGAAGATTTTGACTCGGAAAAGGAGAT-3'
Protein context (NP_001159580.1, residues 34-54): LSQEEINKSL[Asp44Val]LARRAIADSE